The following is an entry in ClinVar:

NM_001142800.2(EYS):c.5510G>C (p.Trp1837Ser)

Gene: EYS (EGF-like photoreceptor maintenance factor; minus strand). Cytogenetic location: 6q12.
Variant type: single nucleotide variant.
Coding change: c.5510G>C on transcript NM_001142800.2 (MANE Select); coding-DNA position 5510, G replaced by C.
Protein change: p.Trp1837Ser; replaces tryptophan 1837 with serine.
Molecular consequence: missense variant.
Genome position (GRCh38, 1-based): chr6:64,590,357, C>G on the plus strand (G>C on the coding strand, the complement: EYS is on the minus strand). VCF-style: chr6-64590357-C-G. GRCh37 (hg19) VCF-style: chr6-65300250-C-G.
Other names: c.5510G>C, p.Trp1837Ser (NM_001292009.2); short protein forms W1837S.
Identifiers: ClinVar variation 195937 (VCV000195937.59), dbSNP rs199689193, ClinGen allele CA202035.

ClinVar aggregate classification (germline): Conflicting classifications of pathogenicity. Review status: criteria provided, conflicting classifications (1 of 4 stars). 11 submissions from 11 submitters: Uncertain significance (1); Benign (2); Likely benign (5). 3 of the submissions do not count toward it. Last evaluated 2026-02-04.

Conditions:
Retinitis pigmentosa (RP). Identifiers: Orphanet 791, MedGen C0035334, MeSH D012174, MONDO:0019200, OMIM 268000. Inheritance: Autosomal dominant, autosomal recessive and X linked inheritance.
Retinitis pigmentosa 25 (RP25). Identifiers: Orphanet 791, MedGen C1864446, MONDO:0011272, OMIM 602772.

Allele frequency attached by ClinVar (database versions not stated): 1000 Genomes Project 30x 0.00078; 1000 Genomes Project 0.00100; ESP Exome Variant Server 0.00241; gnomAD 0.00327 and 0.00333; TOPMed 0.00357; gnomAD exomes 0.00399; ExAC 0.00486.
gnomAD v4.1: 6,365 of 1,551,246 alleles (0.41%); highest among the groups gnomAD compares: Middle Eastern, 0.52%; 24 homozygotes.

Submissions (11):

Labcorp Genetics (formerly Invitae), Labcorp
Classification: Benign. Last evaluated: 2026-02-04. Review status: criteria provided, single submitter. Criteria: Invitae Variant Classification Sherloc (09022015). Collection method: clinical testing. Allele origin: germline.

CeGaT Center for Human Genetics Tuebingen
Classification: Likely benign. Last evaluated: 2025-12-01. Review status: criteria provided, single submitter. Criteria: CeGaT Center For Human Genetics Tuebingen Variant Classification Criteria Version 2. Collection method: clinical testing. Allele origin: germline. Affected: yes. Observed: 6 variant alleles.
Comment: EYS: BP4, BS2

Blueprint Genetics
Classification: Likely benign. Last evaluated: 2024-11-21. Review status: criteria provided, single submitter. Criteria: ACMG Guidelines, 2015. Collection method: clinical testing. Allele origin: germline.

Women's Health and Genetics/Laboratory Corporation of America, LabCorp
Classification: Likely benign. Last evaluated: 2022-06-07. Review status: criteria provided, single submitter. Criteria: LabCorp Variant Classification Summary - May 2015. Collection method: clinical testing. Allele origin: germline.
Comment: Variant summary: EYS c.5510G>C (p.Trp1837Ser) results in a non-conservative amino acid change in the encoded protein sequence. Three of five in-silico tools predict a damaging effect of the variant on protein function. The variant allele was found at a frequency of 0.004 in 153716 control chromosomes in the gnomAD database, including 6 homozygotes. The observed variant frequency is approximately 1.17 fold of the estimated maximal expected allele frequency for a pathogenic variant in EYS causing Retinitis Pigmentosa phenotype (0.0034), strongly suggesting that the variant is benign. c.5510G>C has been reported in the literature in individuals affected with Retinitis Pigmentosa, however it is often observed in the heterozygous state without a variant reported in the second allele and in several studies the variant was considered to be a polymorphism (example Audo_2010, Eisenberger_2013, Wang_2014, Perez-Carro_2016). These reports do not provide unequivocal conclusions about association of the variant with Retinitis Pigmentosa. Six ClinVar submitters have provided assessments for this variant after 2014. Two classified the variant as benign, three as likely benign, and one as VUS. Based on the evidence outlined above, the variant was classified as likely benign.

ARUP Laboratories, Molecular Genetics and Genomics, ARUP Laboratories
Classification: Likely benign for Retinitis pigmentosa 25. Last evaluated: 2020-04-09. Review status: criteria provided, single submitter. Criteria: ARUP Molecular Germline Variant Investigation Process. Collection method: clinical testing. Allele origin: germline.

Illumina Laboratory Services, Illumina
Classification: Uncertain significance for Retinitis pigmentosa. Last evaluated: 2018-01-13. Review status: criteria provided, single submitter. Criteria: ICSL Variant Classification Criteria 13 December 2019. Collection method: clinical testing. Allele origin: germline.

GeneDx
Classification: Benign. Last evaluated: 2015-03-03. Review status: criteria provided, single submitter. Criteria: GeneDx Variant Classification Process June 2021. Collection method: clinical testing. Allele origin: germline. Affected: yes.
Comment: This variant is associated with the following publications: (PMID: 24265693)

Eurofins Ntd Llc (ga)
Classification: Likely benign. Last evaluated: 2014-11-19. Review status: criteria provided, single submitter. Criteria: EGL Classification Definitions 2015. Collection method: clinical testing. Allele origin: germline. Observed: 2 variant alleles, 2 heterozygotes.

Natera, Inc.
Classification: Benign for Retinitis pigmentosa. Last evaluated: 2020-01-10. Review status: no assertion criteria provided. Collection method: clinical testing. Allele origin: germline. Not counted in ClinVar's aggregate classification.

Counsyl
Classification: Likely benign for Retinitis pigmentosa 25. Last evaluated: 2017-03-17. Review status: no assertion criteria provided. Collection method: clinical testing. Allele origin: unknown. Not counted in ClinVar's aggregate classification.

NIHR Bioresource Rare Diseases, University of Cambridge
Classification: Likely benign for Retinitis pigmentosa. Last evaluated: 2015-01-01. Review status: no assertion criteria provided. Collection method: research. Allele origin: unknown. Affected: yes. Observed: 1 variant allele. Not counted in ClinVar's aggregate classification.

Literature cited by the submitters: PubMed 24265693 (cited by 3 submitters); PubMed 25097241 (cited by Women's Health and Genetics/Laboratory Corporation of America, LabCorp); PubMed 20333770 (cited by Women's Health and Genetics/Laboratory Corporation of America, LabCorp and Counsyl); PubMed 26806561 (cited by Women's Health and Genetics/Laboratory Corporation of America, LabCorp and Counsyl); PubMed 20537394 (cited by Counsyl); PubMed 28041643 (cited by NIHR Bioresource Rare Diseases, University of Cambridge).